The following is an entry in ClinVar:

ClinVar aggregate classification (germline): Likely benign. Review status: criteria provided, single submitter (1 of 4 stars). 2 submissions from 2 submitters: Likely benign (1). 1 of the submissions does not count toward it. Last evaluated 2026-01-19.

Conditions:
LCT-related disorder. Also called: LCT-related condition.

Allele frequency attached by ClinVar (database versions not stated): ExAC 0.00021; gnomAD exomes 0.00021 and 0.00009; gnomAD 0.00084 and 0.00090; ESP Exome Variant Server 0.00085; TOPMed 0.00090.
gnomAD v4.1: 264 of 1,614,168 alleles (0.016%); highest among the groups gnomAD compares: African/African-American, 0.3%; 2 homozygotes.

Submissions (2):

Labcorp Genetics (formerly Invitae), Labcorp
Classification: Likely benign. Last evaluated: 2026-01-19. Review status: criteria provided, single submitter. Criteria: Invitae Variant Classification Sherloc (09022015). Collection method: clinical testing. Allele origin: germline.

PreventionGenetics, part of Exact Sciences
Classification: Likely benign for LCT-related condition. Last evaluated: 2022-03-11. Review status: no assertion criteria provided. Collection method: clinical testing. Allele origin: germline. Not counted in ClinVar's aggregate classification.
Comment: This variant is classified as likely benign based on ACMG/AMP sequence variant interpretation guidelines (Richards et al. 2015 PMID: 25741868, with internal and published modifications).

NM_002299.4(LCT):c.3848C>T (p.Thr1283Met)

Gene: LCT (lactase; minus strand). Cytogenetic location: 2q21.3.
Variant type: single nucleotide variant.
Coding change: c.3848C>T on transcript NM_002299.4 (MANE Select); coding-DNA position 3848, C replaced by T.
Protein change: p.Thr1283Met; replaces threonine 1283 with methionine.
Molecular consequence: missense variant.
Genome position (GRCh38, 1-based): chr2:135,808,499, G>A on the plus strand (C>T on the coding strand, the complement: LCT is on the minus strand). VCF-style: chr2-135808499-G-A. GRCh37 (hg19) VCF-style: chr2-136566069-G-A.
Other names: c.3848C>T (LRG_338t1, NM_002299.3); short protein forms T1283M.
Identifiers: ClinVar variation 331182 (VCV000331182.12), dbSNP rs147755711, ClinGen allele CA1887974.